The following is an entry in ClinVar:

NM_004304.5(ALK):c.704_705insCCCTTC (p.235SP[3])

Gene: ALK (ALK receptor tyrosine kinase; minus strand). Cytogenetic location: 2p23.2.
Variant type: Insertion.
Coding change: c.704_705insCCCTTC on transcript NM_004304.5 (MANE Select); coding-DNA positions 704 to 705, CCCTTC inserted.
Protein change: p.235SP[3].
Molecular consequence: inframe insertion.
Genome position: GRCh38 VCF-style: chr2-29717660-A-AGAAGGG. GRCh37 (hg19) VCF-style: chr2-29940526-A-AGAAGGG.
Identifiers: ClinVar variation 1376745 (VCV001376745.6), dbSNP rs2148307359, ClinGen allele CA2573134590.

ClinVar aggregate classification (germline): Uncertain significance (1 of 4 stars; one submission).

Conditions:
Neuroblastoma, susceptibility to, 3. Also called: ALK-Related Neuroblastic Tumor Susceptibility. Identifiers: Orphanet 635, MedGen C2751681, MONDO:0013083, OMIM 613014.

Submission:

Labcorp Genetics (formerly Invitae), Labcorp
Classification: Uncertain significance for Neuroblastoma, susceptibility to, 3. Last evaluated: 2021-10-21. Review status: criteria provided, single submitter. Criteria: Invitae Variant Classification Sherloc (09022015). Collection method: clinical testing. Allele origin: germline.
Comment: In summary, the available evidence is currently insufficient to determine the role of this variant in disease. Therefore, it has been classified as a Variant of Uncertain Significance. Experimental studies and prediction algorithms are not available or were not evaluated, and the functional significance of this variant is currently unknown. This variant has not been reported in the literature in individuals affected with ALK-related conditions. This variant is not present in population databases (ExAC no frequency). This variant, c.704_705insCCCTTC, results in the insertion of 2 amino acid(s) to the ALK protein (p.Ser237_Pro238dup), but otherwise preserves the integrity of the reading frame.